The following is an entry in ClinVar:

NM_004629.2(FANCG):c.1073G>A (p.Gly358Glu)

Gene: FANCG (FA complementation group G; minus strand). Cytogenetic location: 9p13.3.
Variant type: single nucleotide variant.
Coding change: c.1073G>A on transcript NM_004629.2 (MANE Select); coding-DNA position 1073, G replaced by A.
Protein change: p.Gly358Glu; replaces glycine 358 with glutamic acid.
Molecular consequence: missense variant.
Genome position (GRCh38, 1-based): chr9:35,076,435, C>T on the plus strand (G>A on the coding strand, the complement: FANCG is on the minus strand). VCF-style: chr9-35076435-C-T. GRCh37 (hg19) VCF-style: chr9-35076432-C-T.
Other names: short protein forms G358E.
Identifiers: ClinVar variation 3512866 (VCV003512866.1).

ClinVar aggregate classification (germline): Uncertain significance (1 of 4 stars; one submission).

Conditions:
Inborn genetic diseases. Identifiers: MedGen C0950123, MeSH D030342.

Submission:

Ambry Genetics
Classification: Uncertain significance for Inborn genetic diseases. Last evaluated: 2024-12-10. Review status: criteria provided, single submitter. Criteria: Ambry Variant Classification Scheme 2023. Collection method: clinical testing. Allele origin: germline.
Comment: The p.G358E variant (also known as c.1073G>A), located in coding exon 8 of the FANCG gene, results from a G to A substitution at nucleotide position 1073. The glycine at codon 358 is replaced by glutamic acid, an amino acid with similar properties. This amino acid position is conserved. In addition, this alteration is predicted to be tolerated by in silico analysis. Based on the available evidence, the clinical significance of this variant remains unclear.